The following is an entry in ClinVar:

ClinVar aggregate classification (germline): Uncertain significance. Review status: criteria provided, multiple submitters, no conflicts (2 of 4 stars). 3 submissions from 3 submitters: Uncertain significance (3). Last evaluated 2025-09-03.

Conditions:
Menkes kinky-hair syndrome (MNK). Also called: Menkes Disease; Copper transport disease; Classic Menkes Disease. Identifiers: Orphanet 565, MedGen C0022716, MONDO:0010651, OMIM 309400.
Cutis laxa, X-linked (OHS). Also called: EDS IX; Occipital horn syndrome. Identifiers: Orphanet 198, MedGen C0268353, MONDO:0010572, OMIM 304150.
X-linked distal spinal muscular atrophy type 3. Also called: ATP7A-Related Distal Motor Neuropathy; NEURONOPATHY, DISTAL HEREDITARY MOTOR, X-LINKED; NEUROPATHY, DISTAL HEREDITARY MOTOR, X-LINKED; SPINAL MUSCULAR ATROPHY, DISTAL, X-LINKED RECESSIVE. Identifiers: Orphanet 139557, MedGen C1845359, MONDO:0010338, OMIM 300489.

Allele frequency attached by ClinVar (database versions not stated): gnomAD exomes 0.00001; TOPMed 0.00001; gnomAD 0.00003 and 0.00004.
gnomAD v4.1: 16 of 1,208,859 alleles (0.0013%); highest among the groups gnomAD compares: African/African-American, 0.0052%; no homozygotes.

Submissions (3):

Labcorp Genetics (formerly Invitae), Labcorp
Classification: Uncertain significance for X-linked distal spinal muscular atrophy type 3; Cutis laxa, X-linked; Menkes kinky-hair syndrome. Last evaluated: 2025-09-03. Review status: criteria provided, single submitter. Criteria: Invitae Variant Classification Sherloc (09022015). Collection method: clinical testing. Allele origin: germline.
Comment: This sequence change replaces isoleucine, which is neutral and non-polar, with valine, which is neutral and non-polar, at codon 1264 of the ATP7A protein (p.Ile1264Val). This variant is not present in population databases (gnomAD no frequency). This variant has not been reported in the literature in individuals affected with ATP7A-related conditions. ClinVar contains an entry for this variant (Variation ID: 573762). Invitae Evidence Modeling of protein sequence and biophysical properties (such as structural, functional, and spatial information, amino acid conservation, physicochemical variation, residue mobility, and thermodynamic stability) indicates that this missense variant is not expected to disrupt ATP7A protein function with a negative predictive value of 95%. In summary, the available evidence is currently insufficient to determine the role of this variant in disease. Therefore, it has been classified as a Variant of Uncertain Significance.

Mayo Clinic Laboratories, Mayo Clinic
Classification: Uncertain significance. Last evaluated: 2025-02-01. Review status: criteria provided, single submitter. Criteria: ACMG Guidelines, 2015. Collection method: clinical testing. Allele origin: germline. Observed: 1 variant allele.
Comment: PM2_supporting

GeneDx
Classification: Uncertain significance. Last evaluated: 2024-05-21. Review status: criteria provided, single submitter. Criteria: GeneDx Variant Classification Process June 2021. Collection method: clinical testing. Allele origin: germline. Affected: yes.
Comment: Has not been previously published as pathogenic or benign to our knowledge; Not observed at significant frequency in large population cohorts (gnomAD); In silico analysis indicates that this missense variant does not alter protein structure/function; This variant is associated with the following publications: (PMID: 34361043)

Literature cited by the submitters: PubMed 34361043 (cited by Mayo Clinic Laboratories, Mayo Clinic).

NM_000052.7(ATP7A):c.3790A>G (p.Ile1264Val)

Gene: ATP7A (ATPase copper transporting alpha; plus strand). Cytogenetic location: Xq21.1.
Variant type: single nucleotide variant.
Coding change: c.3790A>G on transcript NM_000052.7 (MANE Select); coding-DNA position 3790, A replaced by G.
Protein change: p.Ile1264Val; replaces isoleucine 1264 with valine.
Molecular consequence: missense variant. On other transcripts: non-coding transcript variant (1).
Genome position (GRCh38, 1-based): chrX:78,040,722, A>G. VCF-style: chrX-78040722-A-G. GRCh37 (hg19) VCF-style: chrX-77296220-A-G.
Other names: p.Ile1264Val; c.3556A>G, p.Ile1186Val (NM_001282224.2); c.3790A>G (NM_000052.4); short protein forms I1264V, I1186V.
Identifiers: ClinVar variation 573762 (VCV000573762.11), dbSNP rs782323741, ClinGen allele CA331108279.
Genomic context (GRCh38, chrX:78,040,722, plus strand): 5'-AAATCTATGGGCTTAGAAGTAGTTCTGATGACTGGAGACAACAGTAAAACAGCTAGATCT[A>G]TTGCTTCTCAGGTAATTGATAGGGGTATGTGATAACTTCTAATTATTGATATACATTTTA-3'
Protein context (NP_000043.4, residues 1254-1274): TGDNSKTARS[Ile1264Val]ASQVGITKVF